The following is an entry in ClinVar:

NM_003120.3(SPI1):c.46-73C>T

Gene: SPI1 (Spi-1 proto-oncogene; minus strand). Cytogenetic location: 11p11.2.
Variant type: single nucleotide variant.
Coding change: c.46-73C>T on transcript NM_003120.3 (MANE Select); 73 bases into the intron before coding-DNA position 46, C replaced by T.
Molecular consequence: intron variant.
Genome position (GRCh38, 1-based): chr11:47,375,802, G>A on the plus strand (C>T on the coding strand, the complement: SPI1 is on the minus strand). VCF-style: chr11-47375802-G-A. GRCh37 (hg19) VCF-style: chr11-47397353-G-A.
Other names: c.46-70C>T (NM_001080547.2).
Identifiers: ClinVar variation 2688056 (VCV002688056.2), dbSNP rs56030824, ClinGen allele CA13381756.

ClinVar aggregate classification (germline): Benign (1 of 4 stars; one submission).

Allele frequency attached by ClinVar (database versions not stated): 1000 Genomes Project 0.26358; 1000 Genomes Project 30x 0.26499; gnomAD 0.26914; TOPMed 0.27004.
gnomAD v4.1: 366,154 of 1,188,016 alleles (31%); highest among the groups gnomAD compares: Admixed American, 38%; 58,986 homozygotes.

Submission:

Unidad de Genómica Garrahan, Hospital de Pediatría Garrahan
Classification: Benign. Last evaluated: 2024-01-24. Review status: criteria provided, single submitter. Criteria: ACMG Guidelines, 2015. Collection method: clinical testing. Allele origin: germline. Affected: no. Observed: 59 variant alleles.
Comment: This variant is classified as Benign based on local population frequency. This variant was detected in 62% of patients studied by a panel of primary immunodeficiencies. Number of patients: 59. Only high quality variants are reported.